The following is an entry in ClinVar:

NM_006031.6(PCNT):c.947A>T (p.Glu316Val)

Gene: PCNT (pericentrin; plus strand). Cytogenetic location: 21q22.3.
Variant type: single nucleotide variant.
Coding change: c.947A>T on transcript NM_006031.6 (MANE Select); coding-DNA position 947, A replaced by T.
Protein change: p.Glu316Val; replaces glutamic acid 316 with valine.
Molecular consequence: missense variant.
Genome position (GRCh38, 1-based): chr21:46,346,969, A>T. VCF-style: chr21-46346969-A-T. GRCh37 (hg19) VCF-style: chr21-47766883-A-T.
Other names: c.593A>T, p.Glu198Val (NM_001315529.2); short protein forms E316V, E198V.
Identifiers: ClinVar variation 340466 (VCV000340466.12), dbSNP rs201194745, ClinGen allele CA10078453.
Genomic context (GRCh38, chr21:46,346,969, plus strand): 5'-AGAGCAGGCAGCAGCACGAGCTGGAGCTCCTCAGGGAGCAGCACGCACGGGAGAAGGAGG[A>T]GGTGGTGCTCAGGTGTGGACAGGAAGCAGGTACTGCATGGCTAGGCGGGCACGGGCAGCG-3'
Protein context (NP_006022.3, residues 306-326): LREQHAREKE[Glu316Val]VVLRCGQEAA

ClinVar aggregate classification (germline): Uncertain significance. Review status: criteria provided, multiple submitters, no conflicts (2 of 4 stars). 3 submissions from 3 submitters: Uncertain significance (2). 1 of the submissions does not count toward it. Last evaluated 2022-10-03.

Conditions:
PCNT-related disorder. Also called: PCNT-related condition.
Microcephalic osteodysplastic primordial dwarfism type II (MOPD2). Also called: Microcephalic osteodysplastic primordial dwarfism with tooth abnormalities; MOPD II; OSTEODYSPLASTIC PRIMORDIAL DWARFISM, TYPE II. Identifiers: Orphanet 2637, MedGen C0432246, MONDO:0008872, OMIM 210720.

Allele frequency attached by ClinVar (database versions not stated): ExAC 0.00005; TOPMed 0.00007; ESP Exome Variant Server 0.00008; gnomAD exomes 0.00008 and 0.00015; gnomAD 0.00009 and 0.00010; 1000 Genomes Project 30x 0.00016; 1000 Genomes Project 0.00020.
gnomAD v4.1: 221 of 1,596,524 alleles (0.014%); highest among the groups gnomAD compares: Non-Finnish European, 0.018%; no homozygotes.

Submissions (3):

Labcorp Genetics (formerly Invitae), Labcorp
Classification: Uncertain significance. Last evaluated: 2022-10-03. Review status: criteria provided, single submitter. Criteria: Invitae Variant Classification Sherloc (09022015). Collection method: clinical testing. Allele origin: germline.
Comment: This sequence change replaces glutamic acid, which is acidic and polar, with valine, which is neutral and non-polar, at codon 316 of the PCNT protein (p.Glu316Val). This variant is present in population databases (rs201194745, gnomAD 0.01%). This variant has not been reported in the literature in individuals affected with PCNT-related conditions. ClinVar contains an entry for this variant (Variation ID: 340466). Algorithms developed to predict the effect of missense changes on protein structure and function output the following: SIFT: "Deleterious"; PolyPhen-2: "Possibly Damaging"; Align-GVGD: "Class C15". The valine amino acid residue is found in multiple mammalian species, which suggests that this missense change does not adversely affect protein function. In summary, the available evidence is currently insufficient to determine the role of this variant in disease. Therefore, it has been classified as a Variant of Uncertain Significance.

Illumina Laboratory Services, Illumina
Classification: Uncertain significance for Microcephalic osteodysplastic primordial dwarfism type II. Last evaluated: 2018-01-13. Review status: criteria provided, single submitter. Criteria: ICSL Variant Classification Criteria 13 December 2019. Collection method: clinical testing. Allele origin: germline.

PreventionGenetics, part of Exact Sciences
Classification: Uncertain significance for PCNT-related condition. Last evaluated: 2024-09-03. Review status: no assertion criteria provided. Collection method: clinical testing. Allele origin: germline. Not counted in ClinVar's aggregate classification.
Comment: The PCNT c.947A>T variant is predicted to result in the amino acid substitution p.Glu316Val. To our knowledge, this variant has not been reported in the literature. This variant is reported in 0.015% of alleles in individuals of European (Non-Finnish) descent in gnomAD. At this time, the clinical significance of this variant is uncertain due to the absence of conclusive functional and genetic evidence.